The following is an entry in ClinVar:

NM_000343.4(SLC5A1):c.200G>A (p.Trp67Ter)

Gene: SLC5A1 (solute carrier family 5 member 1; plus strand). Cytogenetic location: 22q12.3.
Variant type: single nucleotide variant.
Coding change: c.200G>A on transcript NM_000343.4 (MANE Select); coding-DNA position 200, G replaced by A.
Protein change: p.Trp67Ter; replaces tryptophan 67 with a stop codon.
Molecular consequence: nonsense.
Genome position (GRCh38, 1-based): chr22:32,050,007, G>A. VCF-style: chr22-32050007-G-A. GRCh37 (hg19) VCF-style: chr22-32445994-G-A.
Other names: short protein forms W67*.
Identifiers: ClinVar variation 2633895 (VCV002633895.2), dbSNP rs1203557575, ClinGen allele CA411309351.

ClinVar aggregate classification (germline): Likely pathogenic. Review status: criteria provided, multiple submitters, no conflicts (2 of 4 stars). 2 submissions from 2 submitters: Likely pathogenic (2). Last evaluated 2024-05-07.

Conditions:
SLC5A1-related disorder. Also called: SLC5A1-related condition.
Congenital glucose-galactose malabsorption (GGM). Also called: MONOSACCHARIDE MALABSORPTION; DIARRHEA 16. Identifiers: Orphanet 35710, MedGen C0268186, MONDO:0011731, OMIM 606824.

Allele frequency attached by ClinVar (database versions not stated): TOPMed below 0.00001; gnomAD 0.00001.
gnomAD v4.1: 3 of 1,613,638 alleles (0.00019%); highest among the groups gnomAD compares: African/African-American, 0.004%; no homozygotes.

Submissions (2):

Fulgent Genetics
Classification: Likely pathogenic for Congenital glucose-galactose malabsorption. Last evaluated: 2024-05-07. Review status: criteria provided, single submitter. Criteria: ACMG Guidelines, 2015. Collection method: clinical testing. Allele origin: germline.

PreventionGenetics, part of Exact Sciences
Classification: Likely pathogenic for SLC5A1-related condition. Last evaluated: 2023-04-05. Review status: criteria provided, single submitter. Criteria: ACMG Guidelines, 2015. Collection method: clinical testing. Allele origin: germline.
Comment: The SLC5A1 c.200G>A variant is predicted to result in premature protein termination (p.Trp67*). To our knowledge, this variant has not been reported in the literature. This variant is reported in 0.00088% of alleles in individuals of European (Non-Finnish) descent in gnomAD. Nonsense variants in SLC5A1 are expected to be pathogenic. This variant is interpreted as likely pathogenic.